The following is an entry in ClinVar:

NM_015295.3(SMCHD1):c.2938G>A (p.Val980Ile)

Gene: SMCHD1 (structural maintenance of chromosomes flexible hinge domain containing 1; plus strand). Cytogenetic location: 18p11.32.
Variant type: single nucleotide variant.
Coding change: c.2938G>A on transcript NM_015295.3 (MANE Select); coding-DNA position 2938, G replaced by A.
Protein change: p.Val980Ile; replaces valine 980 with isoleucine.
Molecular consequence: missense variant.
Genome position (GRCh38, 1-based): chr18:2,729,299, G>A. VCF-style: chr18-2729299-G-A. GRCh37 (hg19) VCF-style: chr18-2729297-G-A.
Other names: short protein forms V980I.
Identifiers: ClinVar variation 1047045 (VCV001047045.8), dbSNP rs755786183, ClinGen allele CA8871104.

ClinVar aggregate classification (germline): Uncertain significance (1 of 4 stars; one submission).

Conditions:
Facioscapulohumeral muscular dystrophy 2 (FSHD2). Also called: MUSCULAR DYSTROPHY, FACIOSCAPULOHUMERAL, TYPE 1B; FACIOSCAPULOHUMERAL MUSCULAR DYSTROPHY 2, DIGENIC; FSHD2, DIGENIC. Identifiers: Orphanet 269, MedGen C1834671, MONDO:0008031, OMIM 158901.

Allele frequency attached by ClinVar (database versions not stated): ExAC below 0.00001; gnomAD exomes below 0.00001.
gnomAD v4.1: 5 of 1,532,378 alleles (0.00033%); highest among the groups gnomAD compares: Admixed American, 0.0023%; no homozygotes.

Submission:

Labcorp Genetics (formerly Invitae), Labcorp
Classification: Uncertain significance for Facioscapulohumeral muscular dystrophy 2. Last evaluated: 2024-05-07. Review status: criteria provided, single submitter. Criteria: Invitae Variant Classification Sherloc (09022015). Collection method: clinical testing. Allele origin: germline.
Comment: This sequence change replaces valine, which is neutral and non-polar, with isoleucine, which is neutral and non-polar, at codon 980 of the SMCHD1 protein (p.Val980Ile). This variant is not present in population databases (gnomAD no frequency). This variant has not been reported in the literature in individuals affected with SMCHD1-related conditions. ClinVar contains an entry for this variant (Variation ID: 1047045). Advanced modeling of protein sequence and biophysical properties (such as structural, functional, and spatial information, amino acid conservation, physicochemical variation, residue mobility, and thermodynamic stability) performed at Invitae indicates that this missense variant is not expected to disrupt SMCHD1 protein function with a negative predictive value of 80%. In summary, the available evidence is currently insufficient to determine the role of this variant in disease. Therefore, it has been classified as a Variant of Uncertain Significance.